The following is an entry in ClinVar:

NM_002184.4(IL6ST):c.2740G>A (p.Gly914Ser)

Gene: IL6ST (interleukin 6 cytokine family signal transducer; minus strand). Cytogenetic location: 5q11.2.
Variant type: single nucleotide variant.
Coding change: c.2740G>A on transcript NM_002184.4 (MANE Select); coding-DNA position 2740, G replaced by A.
Protein change: p.Gly914Ser; replaces glycine 914 with serine.
Molecular consequence: missense variant. On other transcripts: 3 prime UTR variant (1), non-coding transcript variant (2).
Genome position (GRCh38, 1-based): chr5:55,941,099, C>T on the plus strand (G>A on the coding strand, the complement: IL6ST is on the minus strand). VCF-style: chr5-55941099-C-T. GRCh37 (hg19) VCF-style: chr5-55236927-C-T.
Other names: c.2740G>A (NM_002184.3); c.2557G>A, p.Gly853Ser (NM_001190981.2); c.2638G>A, p.Gly880Ser (NM_001364275.2); c.2530G>A, p.Gly844Ser (NM_001364276.2); c.1873G>A, p.Gly625Ser (NM_001364277.2); c.1837G>A, p.Gly613Ser (NM_001364278.2); c.1744G>A, p.Gly582Ser (NM_001364279.2); c.*1667G>A (NM_175767.3); short protein forms G880S, G914S, G853S, G582S, G613S, G625S, G844S.
Identifiers: ClinVar variation 2056706 (VCV002056706.6), dbSNP rs1337649433, ClinGen allele CA359777274.

ClinVar aggregate classification (germline): Uncertain significance. Review status: criteria provided, multiple submitters, no conflicts (2 of 4 stars). 3 submissions from 3 submitters: Uncertain significance (3). Last evaluated 2026-05-18.

Conditions:
IL6ST-related disorder. Also called: IL6ST-related condition.

Allele frequency attached by ClinVar (database versions not stated): gnomAD 0.00001; gnomAD exomes 0.00001; TOPMed 0.00002.
gnomAD v4.1: 10 of 1,611,402 alleles (0.00062%); highest among the groups gnomAD compares: East Asian, 0.0022%; no homozygotes.

Submissions (3):

PreventionGenetics, part of Exact Sciences
Classification: Uncertain significance for IL6ST-related condition. Last evaluated: 2026-05-18. Review status: criteria provided, single submitter. Criteria: ACMG Guidelines, 2015. Collection method: clinical testing. Allele origin: germline.
Comment: The IL6ST c.2740G>A variant is predicted to result in the amino acid substitution p.Gly914Ser. To our knowledge, this variant has not been reported in the literature. This variant is reported in 0.0054% of alleles in individuals of East Asian descent in gnomAD. At this time, the clinical significance of this variant is uncertain due to the absence of conclusive functional and genetic evidence.

Labcorp Genetics (formerly Invitae), Labcorp
Classification: Uncertain significance. Last evaluated: 2025-11-22. Review status: criteria provided, single submitter. Criteria: Invitae Variant Classification Sherloc (09022015). Collection method: clinical testing. Allele origin: germline.
Comment: This sequence change replaces glycine, which is neutral and non-polar, with serine, which is neutral and polar, at codon 914 of the IL6ST protein (p.Gly914Ser). This variant is present in population databases (no rsID available, gnomAD 0.006%). This variant has not been reported in the literature in individuals affected with IL6ST-related conditions. ClinVar contains an entry for this variant (Variation ID: 2056706). An algorithm developed to predict the effect of missense changes on protein structure and function (PolyPhen-2) suggests that this variant is likely to be disruptive. In summary, the available evidence is currently insufficient to determine the role of this variant in disease. Therefore, it has been classified as a Variant of Uncertain Significance.

Ambry Genetics
Classification: Uncertain significance. Last evaluated: 2025-08-27. Review status: criteria provided, single submitter. Criteria: Ambry Variant Classification Scheme 2023. Collection method: clinical testing. Allele origin: germline.